The following is an entry in ClinVar:

NM_001012614.2(CTBP1):c.1218G>C (p.Pro406=)

Genes: CTBP1 (C-terminal binding protein 1; minus strand), CTBP1-AS (CTBP1 antisense RNA; plus strand). Cytogenetic location: 4p16.3.
Variant type: single nucleotide variant.
Coding change: c.1218G>C on transcript NM_001012614.2 (MANE Select); coding-DNA position 1218, G replaced by C.
Protein change: p.Pro406=; no amino-acid change (proline 406 retained).
Molecular consequence: synonymous variant. On other transcripts: non-coding transcript variant (1).
Genome position (GRCh38, 1-based): chr4:1,212,312, C>G on the plus strand (G>C on the coding strand, the complement: CTBP1 is on the minus strand). VCF-style: chr4-1212312-C-G. GRCh37 (hg19) VCF-style: chr4-1206100-C-G.
Other names: c.1251G>C, p.Pro417= (NM_001328.3); c.1254G>C, p.Pro418= (NM_001377186.1); c.1221G>C, p.Pro407= (NM_001377187.1, NM_001377188.1, NM_001377189.1 and 1 more transcripts); c.1218G>C, p.Pro406= (NM_001377191.1, NM_001377192.1, NM_001377193.1).
Identifiers: ClinVar variation 2654547 (VCV002654547.26), dbSNP rs369644553, ClinGen allele CA437922371.

ClinVar aggregate classification (germline): Likely benign. Review status: criteria provided, multiple submitters, no conflicts (2 of 4 stars). 2 submissions from 2 submitters: Likely benign (2). Last evaluated 2024-07-10.

Submissions (2):

Labcorp Genetics (formerly Invitae), Labcorp
Classification: Likely benign. Last evaluated: 2024-07-10. Review status: criteria provided, single submitter. Criteria: Invitae Variant Classification Sherloc (09022015). Collection method: clinical testing. Allele origin: germline.

CeGaT Center for Human Genetics Tuebingen
Classification: Likely benign. Last evaluated: 2022-11-01. Review status: criteria provided, single submitter. Criteria: CeGaT Center For Human Genetics Tuebingen Variant Classification Criteria Version 2. Collection method: clinical testing. Allele origin: germline. Affected: yes. Observed: 1 variant allele.
Comment: CTBP1: BP4, BP7